The following is an entry in ClinVar:

ClinVar aggregate classification (germline): Uncertain significance. Review status: criteria provided, multiple submitters, no conflicts (2 of 4 stars). 3 submissions from 3 submitters: Uncertain significance (3). Last evaluated 2025-02-08.

Conditions:
Inborn genetic diseases. Identifiers: MedGen C0950123, MeSH D030342.
Neutral 1 amino acid transport defect (HND). Also called: Hartnup disease; HARTNUP DISORDER. Identifiers: Orphanet 2116, MedGen C0018609, MONDO:0009324, OMIM 234500.
Iminoglycinuria. Identifiers: Orphanet 42062, MedGen C0268654, MONDO:0009448, OMIM 242600.
Hyperglycinuria. Also called: GLYCINURIA WITH OR WITHOUT OXALATE NEPHROLITHIASIS; GLYCINURIA WITH OR WITHOUT OXALATE UROLITHIASIS; IMINOGLYCINURIA TYPE II. Identifiers: MedGen C0543541, MONDO:0007677, OMIM 138500, HP:0003108.

Allele frequency attached by ClinVar (database versions not stated): gnomAD exomes below 0.00001 and 0.00001; ExAC 0.00002; TOPMed 0.00003; gnomAD 0.00004; ESP Exome Variant Server 0.00008; 1000 Genomes Project 30x 0.00016; 1000 Genomes Project 0.00020.
gnomAD v4.1: 10 of 1,613,594 alleles (0.00062%); highest among the groups gnomAD compares: African/African-American, 0.011%; no homozygotes.

Submissions (3):

Ambry Genetics
Classification: Uncertain significance for Inborn genetic diseases. Last evaluated: 2025-02-08. Review status: criteria provided, single submitter. Criteria: Ambry Variant Classification Scheme 2023. Collection method: clinical testing. Allele origin: germline.

Labcorp Genetics (formerly Invitae), Labcorp
Classification: Uncertain significance. Last evaluated: 2023-10-23. Review status: criteria provided, single submitter. Criteria: Invitae Variant Classification Sherloc (09022015). Collection method: clinical testing. Allele origin: germline.
Comment: This sequence change replaces arginine, which is basic and polar, with glycine, which is neutral and non-polar, at codon 168 of the SLC6A19 protein (p.Arg168Gly). This variant is present in population databases (rs140812221, gnomAD 0.02%). This variant has not been reported in the literature in individuals affected with SLC6A19-related conditions. ClinVar contains an entry for this variant (Variation ID: 1484107). Advanced modeling of protein sequence and biophysical properties (such as structural, functional, and spatial information, amino acid conservation, physicochemical variation, residue mobility, and thermodynamic stability) performed at Invitae indicates that this missense variant is not expected to disrupt SLC6A19 protein function with a negative predictive value of 80%. In summary, the available evidence is currently insufficient to determine the role of this variant in disease. Therefore, it has been classified as a Variant of Uncertain Significance.

Fulgent Genetics
Classification: Uncertain significance for Hyperglycinuria; Neutral 1 amino acid transport defect; Iminoglycinuria. Last evaluated: 2021-09-06. Review status: criteria provided, single submitter. Criteria: ACMG Guidelines, 2015. Collection method: clinical testing. Allele origin: unknown.

NM_001003841.3(SLC6A19):c.502A>G (p.Arg168Gly)

Gene: SLC6A19 (solute carrier family 6 member 19; plus strand). Cytogenetic location: 5p15.33.
Variant type: single nucleotide variant.
Coding change: c.502A>G on transcript NM_001003841.3 (MANE Select); coding-DNA position 502, A replaced by G.
Protein change: p.Arg168Gly; replaces arginine 168 with glycine.
Molecular consequence: missense variant.
Genome position (GRCh38, 1-based): chr5:1,212,323, A>G. VCF-style: chr5-1212323-A-G. GRCh37 (hg19) VCF-style: chr5-1212438-A-G.
Other names: c.502A>G (NM_001003841.2); short protein forms R168G.
Identifiers: ClinVar variation 1484107 (VCV001484107.8), dbSNP rs140812221, ClinGen allele CA3182748.